The following is an entry in ClinVar:

ClinVar aggregate classification (germline): Pathogenic (1 of 4 stars; one submission).

Conditions:
Fanconi anemia (FA). Also called: Fanconi's anemia. Identifiers: Orphanet 84, MedGen C0015625, MeSH D005199, MONDO:0019391.

Submission:

Labcorp Genetics (formerly Invitae), Labcorp
Classification: Pathogenic for Fanconi anemia. Last evaluated: 2023-08-09. Review status: criteria provided, single submitter. Criteria: Invitae Variant Classification Sherloc (09022015). Collection method: clinical testing. Allele origin: germline.
Comment: This sequence change creates a premature translational stop signal (p.Leu765Serfs*12) in the FANCA gene. It is expected to result in an absent or disrupted protein product. Loss-of-function variants in FANCA are known to be pathogenic (PMID: 19367192). This variant is not present in population databases (gnomAD no frequency). This variant has not been reported in the literature in individuals affected with FANCA-related conditions. For these reasons, this variant has been classified as Pathogenic.

Literature cited by the submitters: PubMed 19367192.

NM_000135.4(FANCA):c.2293del (p.Leu765fs)

Gene: FANCA (FA complementation group A; minus strand). Cytogenetic location: 16q24.3.
Variant type: Deletion.
Coding change: c.2293del on transcript NM_000135.4 (MANE Select); coding-DNA position 2293, one base deleted (C; older notation c.2293delC).
Protein change: p.Leu765fs; shifts the reading frame from leucine 765.
Molecular consequence: frameshift variant.
Genome position (GRCh38, 1-based): chr16:89,770,189, G deleted on the plus strand (C on the coding strand, the reverse complement: FANCA is on the minus strand). VCF-style (leftmost placement, unchanged base first): chr16-89770188-AG-A. GRCh37 (hg19) VCF-style: chr16-89836596-AG-A.
Other names: c.2293del, p.Leu765fs (NM_001286167.3); short protein forms L765fs.
Identifiers: ClinVar variation 2751367 (VCV002751367.3), dbSNP rs2544197198, ClinGen allele CA2697556067.